The following is an entry in ClinVar:

NM_001375978.1(CHRM3):c.1705C>T (p.Arg569Cys)

Gene: CHRM3 (cholinergic receptor muscarinic 3; plus strand). Cytogenetic location: 1q43.
Variant type: single nucleotide variant.
Coding change: c.1705C>T on transcript NM_001375978.1 (MANE Select); coding-DNA position 1705, C replaced by T.
Protein change: p.Arg569Cys; replaces arginine 569 with cysteine.
Molecular consequence: missense variant.
Genome position (GRCh38, 1-based): chr1:239,909,156, C>T. VCF-style: chr1-239909156-C-T. GRCh37 (hg19) VCF-style: chr1-240072456-C-T.
Other names: c.1705C>T, p.Arg569Cys (NM_000740.4, NM_001347716.2, NM_001375979.1 and 6 more transcripts); c.1705C>T (NM_000740.3); short protein forms R569C.
Identifiers: ClinVar variation 2178727 (VCV002178727.5), dbSNP rs779263285, ClinGen allele CA1475973.

ClinVar aggregate classification (germline): Uncertain significance. Review status: criteria provided, multiple submitters, no conflicts (2 of 4 stars). 2 submissions from 2 submitters: Uncertain significance (2). Last evaluated 2024-04-13.

Conditions:
Prune belly syndrome. Also called: Prune belly. Identifiers: Orphanet 2970, MedGen C0033770, MONDO:0007032, OMIM 100100, HP:0004392.

Allele frequency attached by ClinVar (database versions not stated): ExAC 0.00001.
gnomAD v4.1: 27 of 1,613,850 alleles (0.0017%); highest among the groups gnomAD compares: East Asian, 0.0022%; no homozygotes.

Submissions (2):

Fulgent Genetics
Classification: Uncertain significance for Prune belly syndrome. Last evaluated: 2024-04-13. Review status: criteria provided, single submitter. Criteria: ACMG Guidelines, 2015. Collection method: clinical testing. Allele origin: germline.

Labcorp Genetics (formerly Invitae), Labcorp
Classification: Uncertain significance. Last evaluated: 2022-03-20. Review status: criteria provided, single submitter. Criteria: Invitae Variant Classification Sherloc (09022015). Collection method: clinical testing. Allele origin: germline.
Comment: This sequence change replaces arginine, which is basic and polar, with cysteine, which is neutral and slightly polar, at codon 569 of the CHRM3 protein (p.Arg569Cys). This variant is present in population databases (rs779263285, gnomAD 0.006%). This variant has not been reported in the literature in individuals affected with CHRM3-related conditions. Algorithms developed to predict the effect of missense changes on protein structure and function are either unavailable or do not agree on the potential impact of this missense change (SIFT: "Deleterious"; PolyPhen-2: "Probably Damaging"; Align-GVGD: "Class C0"). In summary, the available evidence is currently insufficient to determine the role of this variant in disease. Therefore, it has been classified as a Variant of Uncertain Significance.